The following is an entry in ClinVar:

NM_014908.4(DOLK):c.59T>G (p.Val20Gly)

Gene: DOLK (dolichol kinase; minus strand). Cytogenetic location: 9q34.11.
Variant type: single nucleotide variant.
Coding change: c.59T>G on transcript NM_014908.4 (MANE Select); coding-DNA position 59, T replaced by G.
Protein change: p.Val20Gly; replaces valine 20 with glycine.
Molecular consequence: missense variant.
Genome position (GRCh38, 1-based): chr9:128,947,245, A>C on the plus strand (T>G on the coding strand, the complement: DOLK is on the minus strand). VCF-style: chr9-128947245-A-C. GRCh37 (hg19) VCF-style: chr9-131709524-A-C.
Other names: short protein forms V20G.
Identifiers: ClinVar variation 1750973 (VCV001750973.8), dbSNP rs1588263101, ClinGen allele CA375128770.

ClinVar aggregate classification (germline): Uncertain significance. Review status: criteria provided, multiple submitters, no conflicts (2 of 4 stars). 2 submissions from 2 submitters: Uncertain significance (2). Last evaluated 2022-04-19.

Conditions:
Cardiovascular phenotype. Identifiers: MedGen CN230736.
DK1-congenital disorder of glycosylation. Also called: CONGENITAL DISORDER OF GLYCOSYLATION, TYPE Im; DK1-CDG; CDG Im; DK1 DEFICIENCY; DOLICHOL KINASE DEFICIENCY; DOLK-congenital disorder of glycosylation. Identifiers: Orphanet 91131, MedGen C1835849, MONDO:0012556, OMIM 610768.

Submissions (2):

Ambry Genetics
Classification: Uncertain significance for Cardiovascular phenotype. Last evaluated: 2022-04-19. Review status: criteria provided, single submitter. Criteria: Ambry Variant Classification Scheme 2023. Collection method: clinical testing. Allele origin: germline.
Comment: The p.V20G variant (also known as c.59T>G), located in coding exon 1 of the DOLK gene, results from a T to G substitution at nucleotide position 59. The valine at codon 20 is replaced by glycine, an amino acid with dissimilar properties. This amino acid position is conserved. In addition, the in silico prediction for this alteration is inconclusive. Since supporting evidence is limited at this time, the clinical significance of this alteration remains unclear.

Labcorp Genetics (formerly Invitae), Labcorp
Classification: Uncertain significance for DK1-congenital disorder of glycosylation. Last evaluated: 2022-02-18. Review status: criteria provided, single submitter. Criteria: Invitae Variant Classification Sherloc (09022015). Collection method: clinical testing. Allele origin: germline.
Comment: This sequence change replaces valine, which is neutral and non-polar, with glycine, which is neutral and non-polar, at codon 20 of the DOLK protein (p.Val20Gly). This variant is not present in population databases (gnomAD no frequency). This variant has not been reported in the literature in individuals affected with DOLK-related conditions. Algorithms developed to predict the effect of missense changes on protein structure and function are either unavailable or do not agree on the potential impact of this missense change (SIFT: "Deleterious"; PolyPhen-2: "Possibly Damaging"; Align-GVGD: "Class C15"). In summary, the available evidence is currently insufficient to determine the role of this variant in disease. Therefore, it has been classified as a Variant of Uncertain Significance.